The following is an entry in ClinVar:

NM_007294.4(BRCA1):c.3482A>C (p.Glu1161Ala)

Genes: BRCA1 (BRCA1 DNA repair associated; minus strand), LOC126862571 (BRD4-independent group 4 enhancer GRCh37_chr17:41243136-41244335; plus strand). Cytogenetic location: 17q21.31.
Variant type: single nucleotide variant.
Coding change: c.3482A>C on transcript NM_007294.4 (MANE Select); coding-DNA position 3482, A replaced by C.
Protein change: p.Glu1161Ala; replaces glutamic acid 1161 with alanine.
Molecular consequence: missense variant. On other transcripts: intron variant (135).
Genome position (GRCh38, 1-based): chr17:43,092,049, T>G on the plus strand (A>C on the coding strand, the complement: BRCA1 is on the minus strand). VCF-style: chr17-43092049-T-G. GRCh37 (hg19) VCF-style: chr17-41244066-T-G.
Other names: c.3356A>C, p.Glu1119Ala (NM_001407688.1, NM_001407689.1, NM_001407690.1 and 11 more transcripts); c.3341A>C, p.Glu1114Ala (NM_001407692.1, NM_001407694.1, NM_001407695.1 and 29 more transcripts); c.3338A>C, p.Glu1113Ala (NM_001407740.1, NM_001407741.1, NM_001407742.1 and 20 more transcripts); c.3269A>C, p.Glu1090Ala (NM_001407853.1, NM_001407894.1, NM_001407895.1 and 9 more transcripts); c.3482A>C, p.Glu1161Ala (NM_001407854.1, NM_001407858.1, NM_001407859.1 and 30 more transcripts); c.3479A>C, p.Glu1160Ala (NM_001407860.1, NM_001407861.1, NM_001407587.1 and 22 more transcripts); c.3281A>C, p.Glu1094Ala (NM_001407862.1); c.3359A>C, p.Glu1120Ala (NM_001407863.1, NM_001407919.1, NM_001407937.1 and 19 more transcripts); and 41 more; short protein forms E1161A, E1114A, E1090A, E1093A, E1134A, E1049A, E1072A, E1135A.
Identifiers: ClinVar variation 1509039 (VCV001509039.9), dbSNP rs2053579677, ClinGen allele CA10595015.

ClinVar aggregate classification (germline): Conflicting classifications of pathogenicity. Review status: criteria provided, conflicting classifications (1 of 4 stars). 2 submissions from 2 submitters: Uncertain significance (1); Likely benign (1). Last evaluated 2024-12-23.

Conditions:
Hereditary cancer-predisposing syndrome. Also called: Hereditary neoplastic syndrome; Neoplastic Syndromes, Hereditary; Tumor predisposition; Hereditary Cancer Syndrome. Identifiers: Orphanet 140162, MedGen C0027672, MeSH D009386, MONDO:0015356.
Hereditary breast ovarian cancer syndrome. Also called: BRCA1- and BRCA2-Associated Hereditary Breast and Ovarian Cancer; Hereditary breast and ovarian cancer; Hereditary breast and/or ovarian cancer syndrome; Hereditary breast and ovarian cancer syndrome (HBOC); Breast and ovarian cancer; Hereditary breast and ovarian cancer syndrome. Identifiers: Orphanet 145, MedGen C0677776, MeSH D061325, MONDO:0003582. Disease mechanism: loss of function.

Allele frequency attached by ClinVar (database versions not stated): gnomAD exomes below 0.00001; gnomAD 0.00001.
gnomAD v4.1: 7 of 1,613,962 alleles (0.00043%); highest among the groups gnomAD compares: South Asian, 0.0055%; no homozygotes.

Submissions (2):

Labcorp Genetics (formerly Invitae), Labcorp
Classification: Uncertain significance for Hereditary breast ovarian cancer syndrome. Last evaluated: 2024-12-23. Review status: criteria provided, single submitter. Criteria: Invitae Variant Classification Sherloc (09022015). Collection method: clinical testing. Allele origin: germline.
Comment: This sequence change replaces glutamic acid, which is acidic and polar, with alanine, which is neutral and non-polar, at codon 1161 of the BRCA1 protein (p.Glu1161Ala). This variant is not present in population databases (gnomAD no frequency). This variant has not been reported in the literature in individuals affected with BRCA1-related conditions. ClinVar contains an entry for this variant (Variation ID: 1509039). Invitae Evidence Modeling of protein sequence and biophysical properties (such as structural, functional, and spatial information, amino acid conservation, physicochemical variation, residue mobility, and thermodynamic stability) indicates that this missense variant is expected to disrupt BRCA1 protein function with a positive predictive value of 80%. In summary, the available evidence is currently insufficient to determine the role of this variant in disease. Therefore, it has been classified as a Variant of Uncertain Significance.

University of Washington Department of Laboratory Medicine, University of Washington
Classification: Likely benign for Hereditary cancer-predisposing syndrome. Last evaluated: 2023-03-23. Review status: criteria provided, single submitter. Criteria: Dines et al. (Genet Med. 2020). Collection method: curation. Allele origin: germline.
Comment: Missense variant in a coldspot region where missense variants are very unlikely to be pathogenic (PMID:31911673).

BRCA1 coldspot (exon 11 using historical exon numbering). Reclassification based on statistical prior probability